The following is an entry in ClinVar:

NM_002381.5(MATN3):c.973A>G (p.Arg325Gly)

Genes: MATN3 (matrilin 3; minus strand), WDR35-DT (WDR35 divergent transcript; plus strand). Cytogenetic location: 2p24.1.
Variant type: single nucleotide variant.
Coding change: c.973A>G on transcript NM_002381.5 (MANE Select); coding-DNA position 973, A replaced by G.
Protein change: p.Arg325Gly; replaces arginine 325 with glycine.
Molecular consequence: missense variant.
Genome position (GRCh38, 1-based): chr2:20,002,024, T>C on the plus strand (A>G on the coding strand, the complement: MATN3 is on the minus strand). VCF-style: chr2-20002024-T-C. GRCh37 (hg19) VCF-style: chr2-20201785-T-C.
Other names: short protein forms R325G.
Identifiers: ClinVar variation 4885368 (VCV004885368.2).

ClinVar aggregate classification (germline): Uncertain significance (1 of 4 stars; one submission).

Submission:

Dasa
Classification: Uncertain significance. Last evaluated: 2025-04-14. Review status: criteria provided, single submitter. Criteria: DASA Assertion Criteria. Collection method: clinical testing. Allele origin: germline.
Comment: NM_002381.5(MATN3):c.973A>G (p.Arg325Gly) is a missense variant that results in the substitution of arginine with glycine. This variant is rare in population databases. Computational prediction algorithms are consistent with a benign effect. The currently available literature and clinical evidence are not sufficient to establish a definitive association between this variant and the reported condition. Therefore, this variant is classified as a variant of uncertain significance.